The following is an entry in ClinVar:

NM_001177949.2(SYCP3):c.-122T>A

Gene: SYCP3 (synaptonemal complex protein 3; minus strand). Cytogenetic location: 12q23.2.
Variant type: single nucleotide variant.
Coding change: c.-122T>A on transcript NM_001177949.2 (MANE Select); 122 bases upstream of the start codon, T replaced by A.
Molecular consequence: 5 prime UTR variant.
Genome position (GRCh38, 1-based): chr12:101,739,455, A>T on the plus strand (T>A on the coding strand, the complement: SYCP3 is on the minus strand). VCF-style: chr12-101739455-A-T. GRCh37 (hg19) VCF-style: chr12-102133233-A-T.
Other names: c.-107T>A (NM_001177948.2); c.-118T>A (NM_153694.5).
Identifiers: ClinVar variation 306766 (VCV000306766.6), dbSNP rs17031944, ClinGen allele CA10639880.
Genomic context (GRCh38, chr12:101,739,455, plus strand): 5'-CAGGCGTCCTCCACAACTCCTCCACAAGCGCGCTTCACCTGAGGTGGCCCCTTCTCCGCG[A>T]CGCTTCTGAGGCAAGCTGGGATTCGCACAGGAGAAAAGCCAGTCCCGCCTCATCCGGACA-3'

ClinVar aggregate classification (germline): Benign. Review status: criteria provided, multiple submitters, no conflicts (2 of 4 stars). 2 submissions from 2 submitters: Benign (2). Last evaluated 2018-01-13.

Conditions:
Spermatogenic failure 4. Also called: AZOOSPERMIA WITH MATURATION ARREST; PREGNANCY LOSS 4. Identifiers: MedGen C0232981, MONDO:0010052, OMIM 270960.

Allele frequency attached by ClinVar (database versions not stated): gnomAD exomes 0.00745; gnomAD 0.02365; TOPMed 0.02888; 1000 Genomes Project 30x 0.08573; 1000 Genomes Project 0.09385.
gnomAD v4.1: 10,377 of 1,002,530 alleles (1%); highest among the groups gnomAD compares: East Asian, 32%; 776 homozygotes.

Submissions (2):

Illumina Laboratory Services, Illumina
Classification: Benign for Spermatogenic failure 4. Last evaluated: 2018-01-13. Review status: criteria provided, single submitter. Criteria: ICSL Variant Classification Criteria 13 December 2019. Collection method: clinical testing. Allele origin: germline.
Comment: This variant was observed in the ICSL laboratory as part of a predisposition screen in an ostensibly healthy population. It had not been previously curated by ICSL or reported in the Human Gene Mutation Database (HGMD: prior to June 1st, 2018), and was therefore a candidate for classification through an automated scoring system. Utilizing variant allele frequency, disease prevalence and penetrance estimates, and inheritance mode, an automated score was calculated to assess if this variant is too frequent to cause the disease. Based on the score and internal cut-off values, a variant classified as benign is not then subjected to further curation. The score for this variant resulted in a classification of benign for this disease.

Breakthrough Genomics
Classification: Benign. Review status: criteria provided, single submitter. Criteria: ACMG Guidelines, 2015. Collection method: not provided. Allele origin: germline. Inheritance: Autosomal dominant inheritance. Affected: yes.